The following is an entry in ClinVar:

NM_002890.3(RASA1):c.1144dup (p.Thr382fs)

Genes: CCNH (cyclin H; minus strand), RASA1 (RAS p21 protein activator 1; plus strand). Cytogenetic location: 5q14.3.
Variant type: Duplication.
Coding change: c.1144dup on transcript NM_002890.3 (MANE Select); coding-DNA position 1144, one base duplicated (A; older notation c.1144dupA).
Protein change: p.Thr382fs; shifts the reading frame from threonine 382.
Molecular consequence: frameshift variant. On other transcripts: intron variant (1).
Genome position (GRCh38, 1-based): chr5:87,349,255, A duplicated. VCF-style (leftmost placement, unchanged base first): chr5-87349254-T-TA. GRCh37 (hg19) VCF-style: chr5-86645071-T-TA.
Other names: c.613dup, p.Thr205fs (NM_022650.3); c.934-36460dup (NM_001364075.2); short protein forms T205fs, T382fs.
Identifiers: ClinVar variation 4857015 (VCV004857015.1).
Genomic context (GRCh38, chr5:87,349,254, plus strand): 5'-TAACAGCTTAATTCTTACAGTTGGTCAAGTCTGCAGTTTTCTTGTGAGGCCCTCAGATAA[T>TA]ACTCCTGGCGATTATTCACTTTATTTCCGGACCAATGAAAATATTCAGCGATTTAAAATA-3'

ClinVar aggregate classification (germline): Pathogenic (1 of 4 stars; one submission).

Conditions:
Vascular skin disorders.

Submission:

Genetics Laboratory, Great Ormond Street Hospital NHS Foundation Trust, North Thames Genomic Laboratory Hub
Classification: Pathogenic for Vascular skin disorders. Last evaluated: 2026-04-29. Review status: criteria provided, single submitter. Criteria: ACGS Best Practice Guidelines for Variant Classification in Rare Disease 2024 v1.2. Collection method: clinical testing. Allele origin: germline. Affected: yes.
Comment: PM2_moderate, PVS1_very-strong